The following is an entry in ClinVar:

NM_152866.3(MS4A1):c.215T>A (p.Ile72Asn)

Gene: MS4A1 (membrane spanning 4-domains A1; plus strand). Cytogenetic location: 11q12.2.
Variant type: single nucleotide variant.
Coding change: c.215T>A on transcript NM_152866.3 (MANE Select); coding-DNA position 215, T replaced by A.
Protein change: p.Ile72Asn; replaces isoleucine 72 with asparagine.
Molecular consequence: missense variant.
Genome position (GRCh38, 1-based): chr11:60,463,057, T>A. VCF-style: chr11-60463057-T-A. GRCh37 (hg19) VCF-style: chr11-60230530-T-A.
Other names: c.215T>A, p.Ile72Asn (NM_021950.4, NM_152867.2); short protein forms I72N.
Identifiers: ClinVar variation 3001724 (VCV003001724.3), dbSNP rs1237057005, ClinGen allele CA380598573.

ClinVar aggregate classification (germline): Uncertain significance (1 of 4 stars; one submission).

Allele frequency attached by ClinVar (database versions not stated): gnomAD 0.00001; TOPMed 0.00001.
gnomAD v4.1: 2 of 1,614,042 alleles (0.00012%); highest among the groups gnomAD compares: Admixed American, 0.0033%; no homozygotes.

Submission:

Labcorp Genetics (formerly Invitae), Labcorp
Classification: Uncertain significance. Last evaluated: 2023-10-28. Review status: criteria provided, single submitter. Criteria: Invitae Variant Classification Sherloc (09022015). Collection method: clinical testing. Allele origin: germline.
Comment: This sequence change replaces isoleucine, which is neutral and non-polar, with asparagine, which is neutral and polar, at codon 72 of the MS4A1 protein (p.Ile72Asn). This variant is not present in population databases (gnomAD no frequency). This variant has not been reported in the literature in individuals affected with MS4A1-related conditions. An algorithm developed to predict the effect of missense changes on protein structure and function (PolyPhen-2) suggests that this variant is likely to be disruptive. In summary, the available evidence is currently insufficient to determine the role of this variant in disease. Therefore, it has been classified as a Variant of Uncertain Significance.